The following is an entry in ClinVar:

ClinVar aggregate classification (germline): Pathogenic (1 of 4 stars; one submission).

Conditions:
Tuberous sclerosis 2 (TSC2). Identifiers: Orphanet 805, MedGen C1860707, MONDO:0013199, OMIM 613254.

Submission:

Labcorp Genetics (formerly Invitae), Labcorp
Classification: Pathogenic for Tuberous sclerosis 2. Last evaluated: 2016-12-07. Review status: criteria provided, single submitter. Criteria: Invitae Variant Classification Sherloc (09022015). Collection method: clinical testing. Allele origin: germline.
Comment: This variant is a gross deletion of the genomic region encompassing exon 16 of the TSC2 gene. This deletion extends beyond the edge of the assayed exon, and the exact 5' and 3' boundaries of this event are not known but most likely lie within introns 15 and 16. This leads to an in-frame deletion, preserving the integrity of the reading frame. Loss-of-function variants including gross deletions in TSC2 are known to be pathogenic. Deletions encompassing exon 16 have been reported in the literature in individuals affected with tuberous sclerosis complex (PMID: 16114042, 25782670) and in affected individuals in the Leiden Open-source Variation Database (PMID: 21520333). Deletions of exon 16 are known as deletions of exon 15 in the literature. For these reasons, this variant has been classified as Pathogenic.

NM_000548.3(TSC2):c.1600-?_1716+?del

Gene: TSC2 (TSC complex subunit 2; plus strand). Cytogenetic location: 16p13.3.
Variant type: Deletion.
Coding change: c.1600-?_1716+?del on transcript NM_000548.3.
Other names: c.1600-?_1716+?del (LRG_487t1).
Identifiers: ClinVar variation 254037 (VCV000254037.1).